The following is an entry in ClinVar:

ClinVar aggregate classification (germline): Pathogenic/Likely pathogenic. Review status: criteria provided, multiple submitters, no conflicts (2 of 4 stars). 3 submissions from 3 submitters: Pathogenic (1); Likely pathogenic (2). Last evaluated 2024-05-16.

Conditions:
Mucopolysaccharidosis type 1. Also called: Mucopolysaccharidosis Type I; IDUA deficiency; MPS I. Identifiers: Orphanet 579, MedGen C0023786, MONDO:0001586.

Submissions (3):

Natera, Inc.
Classification: Likely pathogenic for Mucopolysaccharidosis type I. Last evaluated: 2024-05-16. Review status: criteria provided, single submitter. Criteria: Natera Variant Classification Schema (03/2026). Collection method: clinical testing. Allele origin: germline.
Comment: The c.1695_1705del variant in IDUA is a frameshift variant predicted to shift the reading frame beginning at codon 566 and leads to a stop codon 2 codons downstream. This variant is expected to result in nonsense mediated decay, truncation, or a dysfunctional protein product. This variant is rare in the general population with a frequency below the threshold expected for the associated phenotype(s). Given the available evidence, this variant is classified as Likely Pathogenic.

Labcorp Genetics (formerly Invitae), Labcorp
Classification: Pathogenic for Mucopolysaccharidosis type 1. Last evaluated: 2023-09-19. Review status: criteria provided, single submitter. Criteria: Invitae Variant Classification Sherloc (09022015). Collection method: clinical testing. Allele origin: germline.
Comment: For these reasons, this variant has been classified as Pathogenic. ClinVar contains an entry for this variant (Variation ID: 862097). This premature translational stop signal has been observed in individual(s) with Hurler syndrome (PMID: 7550242). This variant is not present in population databases (gnomAD no frequency). This sequence change creates a premature translational stop signal (p.Leu566Glyfs*2) in the IDUA gene. It is expected to result in an absent or disrupted protein product. Loss-of-function variants in IDUA are known to be pathogenic (PMID: 11735025, 21480867).

Women's Health and Genetics/Laboratory Corporation of America, LabCorp
Classification: Likely pathogenic for Mucopolysaccharidosis type 1. Last evaluated: 2022-06-01. Review status: criteria provided, single submitter. Criteria: LabCorp Variant Classification Summary - May 2015. Collection method: clinical testing. Allele origin: germline.
Comment: Variant summary: IDUA c.1695_1705del11 (p.Leu566GlyfsX2) results in a premature termination codon, predicted to cause a truncation of the encoded protein or absence of the protein due to nonsense mediated decay, which are commonly known mechanisms for disease. Truncations downstream of this position have been classified as pathogenic by our laboratory. The variant was absent in 242986 control chromosomes (gnomAD). c.1695_1705del11 has been reported in a heterozygous patient with Hurler Syndrome (example: Bunge_1995). This report does not provide unequivocal conclusions about association of the variant with Mucopolysaccharidosis Type 1. One clinical diagnostic laboratory has submitted clinical-significance assessments for this variant to ClinVar after 2014 and classified the variant as pathogenic. Based on the evidence outlined above, the variant was classified as likely pathogenic.

Literature cited by the submitters: PubMed 7550242 (cited by Labcorp Genetics (formerly Invitae), Labcorp and Women's Health and Genetics/Laboratory Corporation of America, LabCorp); PubMed 11735025 (cited by Labcorp Genetics (formerly Invitae), Labcorp); PubMed 21480867 (cited by Labcorp Genetics (formerly Invitae), Labcorp).

NM_000203.5(IDUA):c.1695_1705del (p.Leu566fs)

Gene: IDUA (alpha-L-iduronidase; plus strand). Cytogenetic location: 4p16.3.
Variant type: Deletion.
Coding change: c.1695_1705del on transcript NM_000203.5 (MANE Select); coding-DNA positions 1695 to 1705, 11 bases deleted (TCTGGTCTGGT).
Protein change: p.Leu566fs; shifts the reading frame from leucine 566.
Molecular consequence: frameshift variant. On other transcripts: non-coding transcript variant (1).
Genome position (GRCh38, 1-based): chr4:1,003,593-1,003,603, TCTGGTCTGGT deleted; deleting any 11 consecutive bases within chr4:1,003,588-1,003,603 gives the same sequence; the c. name uses the placement nearest the transcript's 3' end. VCF-style (leftmost placement, unchanged base first): chr4-1003587-GCTGGTTCTGGT-G. GRCh37 (hg19) VCF-style: chr4-997375-GCTGGTTCTGGT-G.
Other names: c.1299_1309del, p.Leu434fs (NM_001363576.1); c.1695_1705del11 (NM_000203.4); short protein forms L566fs, L434fs.
Identifiers: ClinVar variation 862097 (VCV000862097.11), dbSNP rs1220371654, ClinGen allele CA784341275.